The following is an entry in ClinVar:

ClinVar aggregate classification (germline): Uncertain significance (1 of 4 stars; one submission).

Conditions:
Amyotrophic lateral sclerosis type 1 (ALS1). Also called: AMYOTROPHIC LATERAL SCLEROSIS 1, FAMILIAL. Identifiers: Orphanet 803, MedGen C1862939, MONDO:0007103, OMIM 105400.
Neuronopathy, distal hereditary motor, type 7B. Also called: Distal Hereditary Motor Neuronopathy Type 7B (dHMN7B); HMN VIIB; LOWER MOTOR NEURON DISEASE, DYNACTIN TYPE; NEURONOPATHY, DISTAL HEREDITARY MOTOR, AUTOSOMAL DOMINANT 14; NEURONOPATHY, DISTAL HEREDITARY MOTOR, HARDING TYPE VIIB; NEUROPATHY, DISTAL HEREDITARY MOTOR, HARDING TYPE VIIB. Identifiers: Orphanet 139589, MedGen C1843315, MONDO:0011879, OMIM 607641.
Perry syndrome. Also called: PARKINSONISM WITH ALVEOLAR HYPOVENTILATION AND MENTAL DEPRESSION. Identifiers: Orphanet 178509, MedGen C1868594, MONDO:0008201, OMIM 168605.

Allele frequency attached by ClinVar (database versions not stated): gnomAD exomes below 0.00001; ExAC 0.00001.
gnomAD v4.1: 2 of 1,613,942 alleles (0.00012%); highest among the groups gnomAD compares: Middle Eastern, 0.017%; no homozygotes.

Submission:

Labcorp Genetics (formerly Invitae), Labcorp
Classification: Uncertain significance for Amyotrophic lateral sclerosis type 1; Neuronopathy, distal hereditary motor, type 7B; Perry syndrome. Last evaluated: 2026-01-12. Review status: criteria provided, single submitter. Criteria: Invitae Variant Classification Sherloc (09022015). Collection method: clinical testing. Allele origin: germline.
Comment: This sequence change replaces arginine, which is basic and polar, with glutamine, which is neutral and polar, at codon 378 of the DCTN1 protein (p.Arg378Gln). This variant is present in population databases (rs750095273, gnomAD 0.0009%). This variant has not been reported in the literature in individuals affected with DCTN1-related conditions. ClinVar contains an entry for this variant (Variation ID: 2148063). Invitae Evidence Modeling of protein sequence and biophysical properties (such as structural, functional, and spatial information, amino acid conservation, physicochemical variation, residue mobility, and thermodynamic stability) has been performed for this missense variant. However, the output from this modeling did not meet the statistical confidence thresholds required to predict the impact of this variant on DCTN1 protein function. In summary, the available evidence is currently insufficient to determine the role of this variant in disease. Therefore, it has been classified as a Variant of Uncertain Significance.

NM_004082.5(DCTN1):c.1133G>A (p.Arg378Gln)

Gene: DCTN1 (dynactin subunit 1; minus strand). Cytogenetic location: 2p13.1.
Variant type: single nucleotide variant.
Coding change: c.1133G>A on transcript NM_004082.5 (MANE Select); coding-DNA position 1133, G replaced by A.
Protein change: p.Arg378Gln; replaces arginine 378 with glutamine.
Molecular consequence: missense variant. On other transcripts: non-coding transcript variant (1).
Genome position (GRCh38, 1-based): chr2:74,370,340, C>T on the plus strand (G>A on the coding strand, the complement: DCTN1 is on the minus strand). VCF-style: chr2-74370340-C-T. GRCh37 (hg19) VCF-style: chr2-74597467-C-T.
Other names: c.1073G>A, p.Arg358Gln (NM_001135040.3); c.731G>A, p.Arg244Gln (NM_001135041.3, NM_023019.4); c.1022G>A, p.Arg341Gln (NM_001190836.2); c.1112G>A, p.Arg371Gln (NM_001190837.2); c.1082G>A, p.Arg361Gln (NM_001378991.1); c.1064G>A, p.Arg355Gln (NM_001378992.1); short protein forms R358Q, R361Q, R371Q, R378Q, R355Q, R244Q, R341Q.
Identifiers: ClinVar variation 2148063 (VCV002148063.4), dbSNP rs750095273, ClinGen allele CA1722226.